The following is an entry in ClinVar:

ClinVar aggregate classification (germline): Likely benign. Review status: criteria provided, single submitter (1 of 4 stars). 2 submissions from 2 submitters: Likely benign (1). 1 of the submissions does not count toward it. Last evaluated 2024-11-25.

Conditions:
NTN1-related disorder. Also called: NTN1-related condition.

Allele frequency attached by ClinVar (database versions not stated): 1000 Genomes Project 0.00160; 1000 Genomes Project 30x 0.00172; gnomAD 0.00214; ESP Exome Variant Server 0.00246; ExAC 0.00268.
gnomAD v4.1: 3,522 of 1,607,046 alleles (0.22%); highest among the groups gnomAD compares: Admixed American, 0.32%; 4 homozygotes.

Submissions (4):

Blueprint Genetics
Classification: Likely benign. Last evaluated: 2024-11-25. Review status: criteria provided, single submitter. Criteria: ACMG Guidelines, 2015. Collection method: clinical testing. Allele origin: germline.

PreventionGenetics, part of Exact Sciences
Classification: Likely benign for NTN1-related condition. Last evaluated: 2019-07-24. Review status: no assertion criteria provided. Collection method: clinical testing. Allele origin: germline. Not counted in ClinVar's aggregate classification.
Comment: This variant is classified as likely benign based on ACMG/AMP sequence variant interpretation guidelines (Richards et al. 2015 PMID: 25741868, with internal and published modifications).

Dr. Peter K. Rogan Lab, Western University
No classification provided (evidence only). Condition: Ovarian serous cystadenocarcinoma. Review status: no classification provided. Collection method: in vitro. Allele origin: not applicable. Functional consequence: retained intron. Not counted in ClinVar's aggregate classification.

Dr. Peter K. Rogan Lab, Western University
No classification provided (evidence only). Condition: Malignant tumor of esophagus. Review status: no classification provided. Collection method: in vitro. Allele origin: not applicable. Functional consequence: retained intron. Not counted in ClinVar's aggregate classification.

NM_004822.3(NTN1):c.1019-7C>A

Gene: NTN1 (netrin 1; plus strand). Cytogenetic location: 17p13.1.
Variant type: single nucleotide variant.
Coding change: c.1019-7C>A on transcript NM_004822.3 (MANE Select); 7 bases into the intron before coding-DNA position 1019, C replaced by A.
Molecular consequence: intron variant.
Genome position (GRCh38, 1-based): chr17:9,162,806, C>A. VCF-style: chr17-9162806-C-A. GRCh37 (hg19) VCF-style: chr17-9066123-C-A.
Other names: NC_000017.10:g.9066123C>A.
Identifiers: ClinVar variation 3049861 (VCV003049861.4), dbSNP rs201189799, ClinGen allele CA8381081.